The following is an entry in ClinVar:

NM_002351.5(SH2D1A):c.219T>A (p.His73Gln)

Gene: SH2D1A (SH2 domain containing 1A; plus strand). Cytogenetic location: Xq25.
Variant type: single nucleotide variant.
Coding change: c.219T>A on transcript NM_002351.5 (MANE Select); coding-DNA position 219, T replaced by A.
Protein change: p.His73Gln; replaces histidine 73 with glutamine.
Molecular consequence: missense variant.
Genome position (GRCh38, 1-based): chrX:124,370,193, T>A. VCF-style: chrX-124370193-T-A. GRCh37 (hg19) VCF-style: chrX-123504043-T-A.
Other names: c.219T>A, p.His73Gln (NM_001114937.3); short protein forms H73Q.
Identifiers: ClinVar variation 963742 (VCV000963742.41), dbSNP rs954824608, ClinGen allele CA414124395.

ClinVar aggregate classification (germline): Conflicting classifications of pathogenicity. Review status: criteria provided, conflicting classifications (1 of 4 stars). 2 submissions from 2 submitters: Uncertain significance (1); Likely benign (1). Last evaluated 2024-05-02.

Conditions:
X-linked lymphoproliferative disease due to SH2D1A deficiency (XLP1). Also called: EBV infection severe susceptibility to; Epstein Barr virus infection familial fatal; Duncan's syndrome; SH2D1A-Related Lymphoproliferative Disease, X-Linked; DUNCAN DISEASE; IMMUNODEFICIENCY 5. Identifiers: Orphanet 2442, Orphanet 538931, MedGen C5399825, MONDO:0024551, OMIM 308240.

Allele frequency attached by ClinVar (database versions not stated): TOPMed 0.00001; gnomAD exomes 0.00002; gnomAD 0.00003.
gnomAD v4.1: 12 of 1,203,065 alleles (0.001%); highest among the groups gnomAD compares: Admixed American, 0.0022%; no homozygotes.

Submissions (2):

Labcorp Genetics (formerly Invitae), Labcorp
Classification: Uncertain significance for X-linked lymphoproliferative disease due to SH2D1A deficiency. Last evaluated: 2024-05-02. Review status: criteria provided, single submitter. Criteria: Invitae Variant Classification Sherloc (09022015). Collection method: clinical testing. Allele origin: germline.
Comment: This sequence change replaces histidine, which is basic and polar, with glutamine, which is neutral and polar, at codon 73 of the SH2D1A protein (p.His73Gln). This variant is present in population databases (no rsID available, gnomAD 0.003%), including at least one homozygous and/or hemizygous individual. This variant has not been reported in the literature in individuals affected with SH2D1A-related conditions. ClinVar contains an entry for this variant (Variation ID: 963742). Algorithms developed to predict the effect of missense changes on protein structure and function output the following: SIFT: "Not Available"; PolyPhen-2: "Benign"; Align-GVGD: "Not Available". The glutamine amino acid residue is found in multiple mammalian species, which suggests that this missense change does not adversely affect protein function. In summary, the available evidence is currently insufficient to determine the role of this variant in disease. Therefore, it has been classified as a Variant of Uncertain Significance.

CeGaT Center for Human Genetics Tuebingen
Classification: Likely benign. Last evaluated: 2022-04-01. Review status: criteria provided, single submitter. Criteria: CeGaT Center For Human Genetics Tuebingen Variant Classification Criteria Version 2. Collection method: clinical testing. Allele origin: germline. Affected: yes. Observed: 1 variant allele.
Comment: SH2D1A: PP2, BS2